The following is an entry in ClinVar:

ClinVar aggregate classification (germline): Conflicting classifications of pathogenicity. Review status: criteria provided, conflicting classifications (1 of 4 stars). 3 submissions from 3 submitters: Uncertain significance (1); Benign (2). Last evaluated 2025-12-30.

Allele frequency attached by ClinVar (database versions not stated): gnomAD 0.00036 and 0.00037; TOPMed 0.00043; ESP Exome Variant Server 0.00046.
gnomAD v4.1: 565 of 1,613,792 alleles (0.035%); highest among the groups gnomAD compares: Non-Finnish European, 0.0069%; 4 homozygotes.

Submissions (3):

Labcorp Genetics (formerly Invitae), Labcorp
Classification: Benign. Last evaluated: 2025-12-30. Review status: criteria provided, single submitter. Criteria: Invitae Variant Classification Sherloc (09022015). Collection method: clinical testing. Allele origin: germline.

GeneDx
Classification: Uncertain significance. Last evaluated: 2025-01-29. Review status: criteria provided, single submitter. Criteria: GeneDx Variant Classification Process June 2021. Collection method: clinical testing. Allele origin: germline. Affected: yes.
Comment: Has not been previously published as pathogenic or benign to our knowledge; In silico analysis indicates that this missense variant does not alter protein structure/function

Breakthrough Genomics
Classification: Benign. Review status: criteria provided, single submitter. Criteria: ACMG Guidelines, 2015. Collection method: not provided. Allele origin: germline. Inheritance: Autosomal recessive inheritance. Affected: yes.

NM_001084.5(PLOD3):c.988C>G (p.Leu330Val)

Gene: PLOD3 (procollagen-lysine,2-oxoglutarate 5-dioxygenase 3; minus strand). Cytogenetic location: 7q22.1.
Variant type: single nucleotide variant.
Coding change: c.988C>G on transcript NM_001084.5 (MANE Select); coding-DNA position 988, C replaced by G.
Protein change: p.Leu330Val; replaces leucine 330 with valine.
Molecular consequence: missense variant.
Genome position (GRCh38, 1-based): chr7:101,212,547, G>C on the plus strand (C>G on the coding strand, the complement: PLOD3 is on the minus strand). VCF-style: chr7-101212547-G-C. GRCh37 (hg19) VCF-style: chr7-100855828-G-C.
Other names: short protein forms L330V.
Identifiers: ClinVar variation 731561 (VCV000731561.11), dbSNP rs143574903, ClinGen allele CA4407910.